The following is an entry in ClinVar:

NM_001372106.1(DNAH10):c.7003G>C (p.Glu2335Gln)

Gene: DNAH10 (dynein axonemal heavy chain 10; plus strand). Cytogenetic location: 12q24.31.
Variant type: single nucleotide variant.
Coding change: c.7003G>C on transcript NM_001372106.1 (MANE Select); coding-DNA position 7003, G replaced by C.
Protein change: p.Glu2335Gln; replaces glutamic acid 2335 with glutamine.
Molecular consequence: missense variant.
Genome position (GRCh38, 1-based): chr12:123,864,689, G>C. VCF-style: chr12-123864689-G-C. GRCh37 (hg19) VCF-style: chr12-124349236-G-C.
Other names: c.6649G>C, p.Glu2217Gln (NM_207437.3); short protein forms E2217Q, E2335Q.
Identifiers: ClinVar variation 779355 (VCV000779355.5), dbSNP rs200400425, ClinGen allele CA6864387.

ClinVar aggregate classification (germline): Benign. Review status: criteria provided, multiple submitters, no conflicts (2 of 4 stars). 3 submissions from 3 submitters: Benign (3). Last evaluated 2025-02-06.

Conditions:
DNAH10-related disorder. Also called: DNAH10-related condition.

Allele frequency attached by ClinVar (database versions not stated): ESP Exome Variant Server 0.00153; gnomAD 0.00202 and 0.00137; gnomAD exomes 0.00322; TOPMed 0.00126; ExAC 0.00360; 1000 Genomes Project 30x 0.00656; 1000 Genomes Project 0.00699.
gnomAD v4.1: 3,992 of 1,614,024 alleles (0.25%); highest among the groups gnomAD compares: South Asian, 1.8%; 30 homozygotes.

Submissions (3):

PreventionGenetics, part of Exact Sciences
Classification: Benign for DNAH10-related condition. Last evaluated: 2025-02-06. Review status: criteria provided, single submitter. Criteria: ACMG Guidelines, 2015. Collection method: clinical testing. Allele origin: germline.
Comment: This variant is classified as benign based on ACMG/AMP sequence variant interpretation guidelines (Richards et al. 2015 PMID: 25741868, with internal and published modifications).

Labcorp Genetics (formerly Invitae), Labcorp
Classification: Benign. Last evaluated: 2018-04-24. Review status: criteria provided, single submitter. Criteria: Invitae Variant Classification Sherloc (09022015). Collection method: clinical testing. Allele origin: germline.

Breakthrough Genomics
Classification: Benign. Review status: criteria provided, single submitter. Criteria: ACMG Guidelines, 2015. Collection method: not provided. Allele origin: germline. Inheritance: Autosomal recessive inheritance. Affected: yes.